The following is an entry in ClinVar:

ClinVar aggregate classification (germline): Uncertain significance (1 of 4 stars; one submission).

gnomAD v4.1: 1 of 1,613,330 alleles (0.000062%); highest among the groups gnomAD compares: African/African-American, 0.0013%; no homozygotes.

Submission:

Labcorp Genetics (formerly Invitae), Labcorp
Classification: Uncertain significance. Last evaluated: 2023-12-22. Review status: criteria provided, single submitter. Criteria: Invitae Variant Classification Sherloc (09022015). Collection method: clinical testing. Allele origin: germline.
Comment: This sequence change replaces glycine, which is neutral and non-polar, with cysteine, which is neutral and slightly polar, at codon 136 of the NFKB1 protein (p.Gly136Cys). This variant is present in population databases (rs199574943, gnomAD 0.007%). This missense change has been observed in individual(s) with common variable immunodeficiency (PMID: 34473196). ClinVar contains an entry for this variant (Variation ID: 1385692). An algorithm developed to predict the effect of missense changes on protein structure and function (PolyPhen-2) suggests that this variant is likely to be tolerated. In summary, the available evidence is currently insufficient to determine the role of this variant in disease. Therefore, it has been classified as a Variant of Uncertain Significance.

Literature cited by the submitters: PubMed 34473196.

NM_003998.4(NFKB1):c.406G>T (p.Gly136Cys)

Gene: NFKB1 (nuclear factor kappa B subunit 1; plus strand). Cytogenetic location: 4q24.
Variant type: single nucleotide variant.
Coding change: c.406G>T on transcript NM_003998.4 (MANE Select); coding-DNA position 406, G replaced by T.
Protein change: p.Gly136Cys; replaces glycine 136 with cysteine.
Molecular consequence: missense variant.
Genome position (GRCh38, 1-based): chr4:102,567,134, G>T. VCF-style: chr4-102567134-G-T. GRCh37 (hg19) VCF-style: chr4-103488291-G-T.
Other names: c.403G>T, p.Gly135Cys (NM_001165412.2, NM_001319226.2, NM_001382627.1); c.406G>T, p.Gly136Cys (NM_001382625.1, NM_001382626.1); c.364G>T, p.Gly122Cys (NM_001382628.1); short protein forms G136C, G135C, G122C.
Identifiers: ClinVar variation 1385692 (VCV001385692.6), dbSNP rs199574943, ClinGen allele CA3025873.
Genomic context (GRCh38, chr4:102,567,134, plus strand): 5'-GGAAAACACTGTGAGGATGGGATCTGCACTGTAACTGCTGGACCCAAGGACATGGTGGTC[G>T]GGTAAGTAGGGGTATATGATGCTGTGGAAGGTAGGAACAGATAGAATATGGGATGCAGGA-3'
Protein context (NP_003989.2, residues 126-146): VTAGPKDMVV[Gly136Cys]FANLGILHVT